The following is an entry in ClinVar:

NM_004369.4(COL6A3):c.2250del (p.Thr751fs)

Gene: COL6A3 (collagen type VI alpha 3 chain; minus strand). Cytogenetic location: 2q37.3.
Variant type: Deletion.
Coding change: c.2250del on transcript NM_004369.4 (MANE Select); coding-DNA position 2250, one base deleted (C; older notation c.2250delC).
Protein change: p.Thr751fs; shifts the reading frame from threonine 751.
Molecular consequence: frameshift variant. On other transcripts: intron variant (1).
Genome position (GRCh38, 1-based): chr2:237,378,883, G deleted on the plus strand (C on the coding strand, the reverse complement: COL6A3 is on the minus strand). VCF-style (leftmost placement, unchanged base first): chr2-237378882-TG-T. GRCh37 (hg19) VCF-style: chr2-238287525-TG-T.
Other names: c.1029del, p.Thr344fs (NM_057164.5); c.1632del, p.Thr545fs (NM_057165.5, NM_057167.4); c.677-1539del (NM_057166.5); short protein forms T545fs, T751fs, T344fs.
Identifiers: ClinVar variation 1901013 (VCV001901013.5), dbSNP rs1417019207, ClinGen allele CA431712518.
Genomic context (GRCh38, chr2:237,378,882, plus strand): 5'-TGCCCGCGCGTGTCAAGGCGTTGGCAGCTTGCAAATAGGAGTCCTCAGACTGCCCAGCTG[TG>T]AGCAGAAGCAGGAGCTGCGGCACGTGTTCACGGATCCTGCTGCCGCCAGCTTCCGTGAAG-3'

ClinVar aggregate classification (germline): Pathogenic (1 of 4 stars; one submission).

Conditions:
Bethlem myopathy 1A. Also called: Bethlem myopathy 1; MYOPATHY, BENIGN CONGENITAL, WITH CONTRACTURES; Bethlem Muscular Dystrophy. Identifiers: Orphanet 610, MedGen CN029274, MONDO:0024530, OMIM 158810.

Allele frequency attached by ClinVar (database versions not stated): gnomAD exomes below 0.00001; TOPMed 0.00001.

Submission:

Labcorp Genetics (formerly Invitae), Labcorp
Classification: Pathogenic for Bethlem myopathy 1A. Last evaluated: 2024-03-13. Review status: criteria provided, single submitter. Criteria: Invitae Variant Classification Sherloc (09022015). Collection method: clinical testing. Allele origin: germline.
Comment: This sequence change creates a premature translational stop signal (p.Thr751Glnfs*16) in the COL6A3 gene. It is expected to result in an absent or disrupted protein product. Loss-of-function variants in COL6A3 are known to be pathogenic (PMID: 26004199). This variant is present in population databases (no rsID available, gnomAD 0.003%). This variant has not been reported in the literature in individuals affected with COL6A3-related conditions. ClinVar contains an entry for this variant (Variation ID: 1901013). For these reasons, this variant has been classified as Pathogenic.

Literature cited by the submitters: PubMed 26004199.